The following is an entry in ClinVar:

NM_001370259.2(MEN1):c.1246T>A (p.Phe416Ile)

Gene: MEN1 (menin 1; minus strand). Cytogenetic location: 11q13.1.
Variant type: single nucleotide variant.
Coding change: c.1246T>A on transcript NM_001370259.2 (MANE Select); coding-DNA position 1246, T replaced by A.
Protein change: p.Phe416Ile; replaces phenylalanine 416 with isoleucine.
Molecular consequence: missense variant. On other transcripts: non-coding transcript variant (4), intron variant (1).
Genome position (GRCh38, 1-based): chr11:64,805,138, A>T on the plus strand (T>A on the coding strand, the complement: MEN1 is on the minus strand). VCF-style: chr11-64805138-A-T. GRCh37 (hg19) VCF-style: chr11-64572610-A-T.
Other names: c.1261T>A, p.Phe421Ile (NM_000244.4, NM_001407145.1, NM_130800.3 and 4 more transcripts); c.1372T>A, p.Phe458Ile (NM_001370251.2, NM_001407142.1, NM_001407143.1 and 1 more transcripts); c.1246T>A, p.Phe416Ile (NM_001370260.2, NM_001370261.2, NM_001407146.1 and 2 more transcripts); c.1141T>A, p.Phe381Ile (NM_001370262.2, NM_001370263.2, NM_001407148.1 and 1 more transcripts); c.1387T>A, p.Phe463Ile (NM_001407150.1); c.1267T>A, p.Phe423Ile (NM_001407151.1); c.1186-322T>A (NM_001407152.1); short protein forms F381I, F416I, F421I, F423I, F458I, F463I.
Identifiers: ClinVar variation 3229055 (VCV003229055.2), dbSNP rs2136102028, ClinGen allele CA381180563.

ClinVar aggregate classification (germline): Uncertain significance (1 of 4 stars; one submission).

Conditions:
Hereditary cancer-predisposing syndrome. Also called: Neoplastic Syndromes, Hereditary; Tumor predisposition; Hereditary Cancer Syndrome; Hereditary neoplastic syndrome. Identifiers: Orphanet 140162, MedGen C0027672, MeSH D009386, MONDO:0015356.

Submission:

Ambry Genetics
Classification: Uncertain significance for Hereditary cancer-predisposing syndrome. Last evaluated: 2026-08-07. Review status: criteria provided, single submitter. Criteria: Ambry Variant Classification Scheme 2023. Collection method: clinical testing. Allele origin: germline.
Comment: The p.F416I variant (also known as c.1246T>A), located in coding exon 8 of the MEN1 gene, results from a T to A substitution at nucleotide position 1246. The phenylalanine at codon 416 is replaced by isoleucine, an amino acid with highly similar properties. This amino acid position is highly conserved in available vertebrate species. In addition, this alteration is predicted to be deleterious by in silico analysis. Based on the available evidence, the clinical significance of this variant remains unclear.